The following is an entry in ClinVar:

NM_001008537.3(NEXMIF):c.1381C>T (p.Arg461Cys)

Gene: NEXMIF (neurite extension and migration factor; minus strand). Cytogenetic location: Xq13.3.
Variant type: single nucleotide variant.
Coding change: c.1381C>T on transcript NM_001008537.3 (MANE Select); coding-DNA position 1381, C replaced by T.
Protein change: p.Arg461Cys; replaces arginine 461 with cysteine.
Molecular consequence: missense variant.
Genome position (GRCh38, 1-based): chrX:74,743,176, G>A on the plus strand (C>T on the coding strand, the complement: NEXMIF is on the minus strand). VCF-style: chrX-74743176-G-A. GRCh37 (hg19) VCF-style: chrX-73963011-G-A.
Other names: short protein forms R461C.
Identifiers: ClinVar variation 1307441 (VCV001307441.5), dbSNP rs1417864291, ClinGen allele CA413670633.

ClinVar aggregate classification (germline): Uncertain significance (1 of 4 stars; one submission).

gnomAD v4.1: 5 of 1,210,661 alleles (0.00041%); highest among the groups gnomAD compares: South Asian, 0.0018%; no homozygotes.

Submission:

GeneDx
Classification: Uncertain significance. Last evaluated: 2026-09-08. Review status: criteria provided, single submitter. Criteria: GeneDx Variant Classification Process June 2021. Collection method: clinical testing. Allele origin: germline.
Comment: Not observed at significant frequency in large population cohorts (gnomAD); In silico analysis suggests that this missense variant does not alter protein structure/function; Has not been previously published as pathogenic or benign to our knowledge